The following is an entry in ClinVar:

NM_017449.5(EPHB2):c.654G>A (p.Ser218=)

Gene: EPHB2 (EPH receptor B2; plus strand). Cytogenetic location: 1p36.12.
Variant type: single nucleotide variant.
Coding change: c.654G>A on transcript NM_017449.5 (MANE Select); coding-DNA position 654, G replaced by A.
Protein change: p.Ser218=; no amino-acid change (serine 218 retained).
Molecular consequence: synonymous variant.
Genome position (GRCh38, 1-based): chr1:22,784,919, G>A. VCF-style: chr1-22784919-G-A. GRCh37 (hg19) VCF-style: chr1-23111412-G-A.
Other names: c.654G>A, p.Ser218= (NM_001309192.2, NM_001309193.2, NM_004442.7).
Identifiers: ClinVar variation 4991357 (VCV004991357.1).

ClinVar aggregate classification (germline): Likely benign (1 of 4 stars; one submission).

Conditions:
EPHB2-related disorder. Also called: EPHB2-related condition.

gnomAD v4.1: 76 of 1,613,960 alleles (0.0047%); highest among the groups gnomAD compares: African/African-American, 0.053%; no homozygotes.

Submission:

PreventionGenetics, part of Exact Sciences
Classification: Likely benign for EPHB2-related condition. Last evaluated: 2026-06-23. Review status: criteria provided, single submitter. Criteria: ACMG Guidelines, 2015. Collection method: clinical testing. Allele origin: germline.
Comment: This variant is classified as likely benign based on ACMG/AMP sequence variant interpretation guidelines (Richards et al. 2015 PMID: 25741868, with internal and published modifications).